The following is an entry in ClinVar:

ClinVar aggregate classification (germline): Uncertain significance (1 of 4 stars; one submission).

Allele frequency attached by ClinVar (database versions not stated): gnomAD 0.00001; gnomAD exomes 0.00001 and 0.00003; ExAC 0.00002; TOPMed 0.00003.

Submission:

Labcorp Genetics (formerly Invitae), Labcorp
Classification: Uncertain significance. Last evaluated: 2025-08-18. Review status: criteria provided, single submitter. Criteria: Invitae Variant Classification Sherloc (09022015). Collection method: clinical testing. Allele origin: germline.
Comment: This sequence change replaces valine, which is neutral and non-polar, with isoleucine, which is neutral and non-polar, at codon 320 of the NYX protein (p.Val320Ile). This variant is present in population databases (rs760297861, gnomAD 0.02%). This variant has not been reported in the literature in individuals affected with NYX-related conditions. ClinVar contains an entry for this variant (Variation ID: 1491100). Invitae Evidence Modeling of protein sequence and biophysical properties (such as structural, functional, and spatial information, amino acid conservation, physicochemical variation, residue mobility, and thermodynamic stability) indicates that this missense variant is not expected to disrupt NYX protein function with a negative predictive value of 80%. In summary, the available evidence is currently insufficient to determine the role of this variant in disease. Therefore, it has been classified as a Variant of Uncertain Significance.

NM_001378477.3(NYX):c.943G>A (p.Val315Ile)

Gene: NYX (nyctalopin; plus strand). Cytogenetic location: Xp11.4.
Variant type: single nucleotide variant.
Coding change: c.943G>A on transcript NM_001378477.3 (MANE Select); coding-DNA position 943, G replaced by A.
Protein change: p.Val315Ile; replaces valine 315 with isoleucine.
Molecular consequence: missense variant.
Genome position (GRCh38, 1-based): chrX:41,474,411, G>A. VCF-style: chrX-41474411-G-A. GRCh37 (hg19) VCF-style: chrX-41333664-G-A.
Other names: c.943G>A, p.Val315Ile (NM_022567.3); short protein forms V315I.
Identifiers: ClinVar variation 1491100 (VCV001491100.6), dbSNP rs760297861, ClinGen allele CA10389886.